The following is an entry in ClinVar:

ClinVar aggregate classification (germline): Likely pathogenic (1 of 4 stars; one submission).

Conditions:
Mowat-Wilson syndrome (MOWS). Also called: Classic Mowat-Wilson Syndrome. Identifiers: Orphanet 2152, MedGen C1856113, MONDO:0009341, OMIM 235730.

Submission:

3billion
Classification: Likely pathogenic for Mowat-Wilson syndrome. Last evaluated: 2022-03-22. Review status: criteria provided, single submitter. Criteria: ACMG Guidelines, 2015. Collection method: clinical testing. Allele origin: germline. Affected: yes. Observed: 1 heterozygote.
Comment: Frameshift: predicted to result in a loss or disruption of normal protein function through nonsense-mediated decay (NMD) or protein truncation. Multiple pathogenic variants are reported downstream of the variant.It is not observed in the gnomAD v2.1.1 dataset. Therefore, this variant is classified as likely pathogenic according to the recommendation of ACMG/AMP guideline.

NM_014795.4(ZEB2):c.2384del (p.Asn795fs)

Gene: ZEB2 (zinc finger E-box binding homeobox 2; minus strand). Cytogenetic location: 2q22.3.
Variant type: Deletion.
Coding change: c.2384del on transcript NM_014795.4 (MANE Select); coding-DNA position 2384, one base deleted (A; older notation c.2384delA).
Protein change: p.Asn795fs; shifts the reading frame from asparagine 795.
Molecular consequence: frameshift variant.
Genome position (GRCh38, 1-based): chr2:144,398,803, T deleted on the plus strand (A on the coding strand, the reverse complement: ZEB2 is on the minus strand); the first of 5 consecutive T bases (chr2:144,398,803-144,398,807); deleting any one gives the same sequence. VCF-style (leftmost placement, unchanged base first): chr2-144398802-GT-G. GRCh37 (hg19) VCF-style: chr2-145156369-GT-G.
Other names: c.2312del, p.Asn771fs (NM_001171653.2); short protein forms N771fs, N795fs.
Identifiers: ClinVar variation 1526203 (VCV001526203.1), dbSNP rs2149876640, ClinGen allele CA2573133272.
Genomic context (GRCh38, chr2:144,398,802, plus strand): 5'-AGGCTCAGCCTGGAGCTCCTCAGAAGAGAAGCTGTTTGGAGTGTATGAACTACTGTGGGA[GT>G]TTTTAGAAGATGTGGAGGAAAGATTTAAGGGAGAAGGAGTATTACTCCTGGAGTGGTCCA-3'